The following is an entry in ClinVar:

ClinVar aggregate classification (germline): Pathogenic. Review status: criteria provided, single submitter (1 of 4 stars). 2 submissions from 2 submitters: Pathogenic (1). 1 of the submissions does not count toward it. Last evaluated 2023-04-07.

Conditions:
PCNT-related disorder. Also called: PCNT-related condition.

gnomAD v4.1: 13 of 1,614,026 alleles (0.00081%); highest among the groups gnomAD compares: African/African-American, 0.0013%; no homozygotes.

Submissions (2):

Labcorp Genetics (formerly Invitae), Labcorp
Classification: Pathogenic. Last evaluated: 2023-04-07. Review status: criteria provided, single submitter. Criteria: Invitae Variant Classification Sherloc (09022015). Collection method: clinical testing. Allele origin: germline.
Comment: For these reasons, this variant has been classified as Pathogenic. ClinVar contains an entry for this variant (Variation ID: 1453798). This premature translational stop signal has been observed in individual(s) with microcephaly (PMID: 30214071). This variant is not present in population databases (gnomAD no frequency). This sequence change creates a premature translational stop signal (p.Arg507*) in the PCNT gene. It is expected to result in an absent or disrupted protein product. Loss-of-function variants in PCNT are known to be pathogenic (PMID: 18174396, 22821869).

PreventionGenetics, part of Exact Sciences
Classification: Likely pathogenic for PCNT-related condition. Last evaluated: 2024-04-30. Review status: no assertion criteria provided. Collection method: clinical testing. Allele origin: germline. Not counted in ClinVar's aggregate classification.
Comment: The PCNT c.1519C>T variant is predicted to result in premature protein termination (p.Arg507*). This variant was reported in the compound heterozygous state in an individual with congenital microcephaly (Shaheen et al. 2019. PubMed ID: 30214071, Table S1). This variant has not been reported in a large population database, indicating this variant is rare. Nonsense variants in PCNT are expected to be pathogenic. This variant is interpreted as likely pathogenic.

Literature cited by the submitters: PubMed 30214071 (cited by Labcorp Genetics (formerly Invitae), Labcorp); PubMed 18174396 (cited by Labcorp Genetics (formerly Invitae), Labcorp); PubMed 22821869 (cited by Labcorp Genetics (formerly Invitae), Labcorp).

NM_006031.6(PCNT):c.1519C>T (p.Arg507Ter)

Gene: PCNT (pericentrin; plus strand). Cytogenetic location: 21q22.3.
Variant type: single nucleotide variant.
Coding change: c.1519C>T on transcript NM_006031.6 (MANE Select); coding-DNA position 1519, C replaced by T.
Protein change: p.Arg507Ter; replaces arginine 507 with a stop codon.
Molecular consequence: nonsense.
Genome position (GRCh38, 1-based): chr21:46,353,166, C>T. VCF-style: chr21-46353166-C-T. GRCh37 (hg19) VCF-style: chr21-47773080-C-T.
Other names: c.1165C>T, p.Arg389Ter (NM_001315529.2); c.1519C>T (NM_006031.5); short protein forms R389*, R507*.
Identifiers: ClinVar variation 1453798 (VCV001453798.8), dbSNP rs138036524, ClinGen allele CA410560292.